The following is an entry in ClinVar:

ClinVar aggregate classification (germline): Uncertain significance (1 of 4 stars; one submission).

Allele frequency attached by ClinVar (database versions not stated): TOPMed below 0.00001; ExAC 0.00001; gnomAD 0.00001; gnomAD exomes 0.00001 and 0.00002.
gnomAD v4.1: 11 of 1,612,710 alleles (0.00068%); highest among the groups gnomAD compares: South Asian, 0.0088%; no homozygotes.

Submission:

Labcorp Genetics (formerly Invitae), Labcorp
Classification: Uncertain significance. Last evaluated: 2025-10-07. Review status: criteria provided, single submitter. Criteria: Invitae Variant Classification Sherloc (09022015). Collection method: clinical testing. Allele origin: germline.
Comment: This sequence change replaces threonine, which is neutral and polar, with isoleucine, which is neutral and non-polar, at codon 1323 of the CACNA1D protein (p.Thr1323Ile). This variant is present in population databases (rs775567082, gnomAD 0.02%). This variant has not been reported in the literature in individuals affected with CACNA1D-related conditions. ClinVar contains an entry for this variant (Variation ID: 1525197). Invitae Evidence Modeling of protein sequence and biophysical properties (such as structural, functional, and spatial information, amino acid conservation, physicochemical variation, residue mobility, and thermodynamic stability) indicates that this missense variant is not expected to disrupt CACNA1D protein function with a negative predictive value of 80%. In summary, the available evidence is currently insufficient to determine the role of this variant in disease. Therefore, it has been classified as a Variant of Uncertain Significance.

NM_001128840.3(CACNA1D):c.3908C>T (p.Thr1303Ile)

Gene: CACNA1D (calcium voltage-gated channel subunit alpha1 D; plus strand). Cytogenetic location: 3p21.1.
Variant type: single nucleotide variant.
Coding change: c.3908C>T on transcript NM_001128840.3 (MANE Select); coding-DNA position 3908, C replaced by T.
Protein change: p.Thr1303Ile; replaces threonine 1303 with isoleucine.
Molecular consequence: missense variant. On other transcripts: intron variant (1).
Genome position (GRCh38, 1-based): chr3:53,770,010, C>T. VCF-style: chr3-53770010-C-T. GRCh37 (hg19) VCF-style: chr3-53804037-C-T.
Other names: c.3968C>T, p.Thr1323Ile (NM_000720.4); c.3871-414C>T (NM_001128839.3); short protein forms T1303I, T1323I.
Identifiers: ClinVar variation 1525197 (VCV001525197.8), dbSNP rs775567082, ClinGen allele CA2454734.